The following is an entry in ClinVar:

NM_000180.4(GUCY2D):c.533C>T (p.Ala178Val)

Gene: GUCY2D (guanylate cyclase 2D, retinal; plus strand). Cytogenetic location: 17p13.1.
Variant type: single nucleotide variant.
Coding change: c.533C>T on transcript NM_000180.4 (MANE Select); coding-DNA position 533, C replaced by T.
Protein change: p.Ala178Val; replaces alanine 178 with valine.
Molecular consequence: missense variant.
Genome position (GRCh38, 1-based): chr17:8,003,580, C>T. VCF-style: chr17-8003580-C-T. GRCh37 (hg19) VCF-style: chr17-7906898-C-T.
Other names: short protein forms A178V.
Identifiers: ClinVar variation 2923044 (VCV002923044.4), dbSNP rs746387733, ClinGen allele CA8365506.
Genomic context (GRCh38, chr17:8,003,580, plus strand): 5'-AGGGCACCACGGCCCCTGCCGTGACCCCCGCCGCGGATGCCCTCTACGCCCTGCTTCGCG[C>T]ATTCGGCTGGGCGCGCGTGGCCCTGGTCACCGCCCCCCAGGACCTGTGGGTGGAGGCGGG-3'
Protein context (NP_000171.1, residues 168-188): AADALYALLR[Ala178Val]FGWARVALVT

ClinVar aggregate classification (germline): Uncertain significance. Review status: criteria provided, multiple submitters, no conflicts (2 of 4 stars). 2 submissions from 2 submitters: Uncertain significance (2). Last evaluated 2023-12-21.

Conditions:
Leber congenital amaurosis 1 (LCA1). Also called: Congenital absence of the rods and cones; Leber's congenital tapetoretinal degeneration; Leber's congenital tapetoretinal dysplasia; RETINAL BLINDNESS, CONGENITAL; AMAUROSIS CONGENITA OF LEBER I. Identifiers: Orphanet 65, MedGen C2931258, MONDO:0008764, OMIM 204000.
Cone-rod dystrophy 6 (CORD6). Also called: Cone dystrophy progressive; RETINAL CONE DYSTROPHY 2. Identifiers: Orphanet 1872, MedGen C1866293, MONDO:0011143, OMIM 601777.

Allele frequency attached by ClinVar (database versions not stated): gnomAD exomes below 0.00001; ExAC 0.00002.
gnomAD v4.1: 3 of 1,584,272 alleles (0.00019%); highest among the groups gnomAD compares: Non-Finnish European, 0.00026%; no homozygotes.

Submissions (2):

Labcorp Genetics (formerly Invitae), Labcorp
Classification: Uncertain significance for Leber congenital amaurosis 1; Cone-rod dystrophy 6. Last evaluated: 2023-12-21. Review status: criteria provided, single submitter. Criteria: Invitae Variant Classification Sherloc (09022015). Collection method: clinical testing. Allele origin: germline.
Comment: This sequence change replaces alanine, which is neutral and non-polar, with valine, which is neutral and non-polar, at codon 178 of the GUCY2D protein (p.Ala178Val). This variant is present in population databases (rs746387733, gnomAD 0.001%). This variant has not been reported in the literature in individuals affected with GUCY2D-related conditions. Advanced modeling of protein sequence and biophysical properties (such as structural, functional, and spatial information, amino acid conservation, physicochemical variation, residue mobility, and thermodynamic stability) performed at Invitae indicates that this missense variant is not expected to disrupt GUCY2D protein function with a negative predictive value of 80%. In summary, the available evidence is currently insufficient to determine the role of this variant in disease. Therefore, it has been classified as a Variant of Uncertain Significance.

Blueprint Genetics
Classification: Uncertain significance. Last evaluated: 2018-12-29. Review status: criteria provided, single submitter. Criteria: ACMG Guidelines, 2015. Collection method: clinical testing. Allele origin: germline.